The following is an entry in ClinVar:

ClinVar aggregate classification (germline): Likely benign. Review status: criteria provided, multiple submitters, no conflicts (2 of 4 stars). 2 submissions from 2 submitters: Likely benign (2). Last evaluated 2026-06-09.

Conditions:
Cardiovascular phenotype. Identifiers: MedGen CN230736.

gnomAD v4.1: 1 of 1,614,100 alleles (0.000062%); highest among the groups gnomAD compares: Non-Finnish European, 0.000085%; no homozygotes.

Submissions (2):

Ambry Genetics
Classification: Likely benign for Cardiovascular phenotype. Last evaluated: 2026-06-09. Review status: criteria provided, single submitter. Criteria: Ambry Variant Classification Scheme 2023. Collection method: clinical testing. Allele origin: germline.

Women's Health and Genetics/Laboratory Corporation of America, LabCorp
Classification: Likely benign. Last evaluated: 2023-12-27. Review status: criteria provided, single submitter. Criteria: LabCorp Variant Classification Summary - May 2015. Collection method: clinical testing. Allele origin: germline.
Comment: Variant summary: ABCG5 c.1452T>C alters a non-conserved nucleotide resulting in a synonymous change. Consensus agreement among computation tools predict no significant impact on normal splicing. However, these predictions have yet to be confirmed by functional studies. The variant was absent in 251308 control chromosomes. To our knowledge, no occurrence of c.1452T>C in individuals affected with ABCG5-related conditions and no experimental evidence demonstrating its impact on protein function have been reported. No submitters have cited clinical-significance assessments for this variant to ClinVar after 2014. Based on the evidence outlined above, the variant was classified as likely benign.

NM_022436.3(ABCG5):c.1452T>C (p.Ser484=)

Genes: ABCG5 (ATP binding cassette subfamily G member 5; minus strand), DYNC2LI1 (dynein cytoplasmic 2 light intermediate chain 1; plus strand). Cytogenetic location: 2p21.
Variant type: single nucleotide variant.
Coding change: c.1452T>C on transcript NM_022436.3 (MANE Select); coding-DNA position 1452, T replaced by C.
Protein change: p.Ser484=; no amino-acid change (serine 484 retained).
Molecular consequence: synonymous variant. On other transcripts: intron variant (2).
Genome position (GRCh38, 1-based): chr2:43,822,808, A>G on the plus strand (T>C on the coding strand, the complement: ABCG5 is on the minus strand). VCF-style: chr2-43822808-A-G. GRCh37 (hg19) VCF-style: chr2-44049947-A-G.
Other names: c.1452T>C (NM_022436.2); c.*16-4578A>G (NM_001348913.2, NM_001348912.2).
Identifiers: ClinVar variation 2691434 (VCV002691434.2), dbSNP rs1442809103, ClinGen allele CA425758157.